The following is an entry in ClinVar:

ClinVar aggregate classification (germline): Benign/Likely benign. Review status: criteria provided, multiple submitters, no conflicts (2 of 4 stars). 3 submissions from 3 submitters: Benign (1); Likely benign (1). 1 of the submissions does not count toward it. Last evaluated 2025-02-04.

Conditions:
Inborn genetic diseases. Identifiers: MedGen C0950123, MeSH D030342.
RHOBTB2-related disorder. Also called: RHOBTB2-related condition.

Allele frequency attached by ClinVar (database versions not stated): gnomAD 0.00001 and 0.00003; gnomAD exomes 0.00001 and 0.00004; ExAC 0.00002; TOPMed 0.00002.
gnomAD v4.1: 23 of 1,611,978 alleles (0.0014%); highest among the groups gnomAD compares: Admixed American, 0.0083%; no homozygotes.

Submissions (3):

Ambry Genetics
Classification: Likely benign for Inborn genetic diseases. Last evaluated: 2025-02-04. Review status: criteria provided, single submitter. Criteria: Ambry Variant Classification Scheme 2023. Collection method: clinical testing. Allele origin: germline.

Labcorp Genetics (formerly Invitae), Labcorp
Classification: Benign. Last evaluated: 2025-02-02. Review status: criteria provided, single submitter. Criteria: Invitae Variant Classification Sherloc (09022015). Collection method: clinical testing. Allele origin: germline.

PreventionGenetics, part of Exact Sciences
Classification: Likely benign for RHOBTB2-related condition. Last evaluated: 2024-08-07. Review status: no assertion criteria provided. Collection method: clinical testing. Allele origin: germline. Not counted in ClinVar's aggregate classification.
Comment: This variant is classified as likely benign based on ACMG/AMP sequence variant interpretation guidelines (Richards et al. 2015 PMID: 25741868, with internal and published modifications).

NM_015178.3(RHOBTB2):c.1007G>A (p.Arg336Gln)

Gene: RHOBTB2 (Rho related BTB domain containing 2; plus strand). Cytogenetic location: 8p21.3.
Variant type: single nucleotide variant.
Coding change: c.1007G>A on transcript NM_015178.3 (MANE Select); coding-DNA position 1007, G replaced by A.
Protein change: p.Arg336Gln; replaces arginine 336 with glutamine.
Molecular consequence: missense variant.
Genome position (GRCh38, 1-based): chr8:23,007,252, G>A. VCF-style: chr8-23007252-G-A. GRCh37 (hg19) VCF-style: chr8-22864765-G-A.
Other names: c.1073G>A, p.Arg358Gln (NM_001160036.2); c.1028G>A, p.Arg343Gln (NM_001160037.2); c.1007G>A, p.Arg336Gln (NM_001374791.1); c.1073G>A (NM_001160036.1); short protein forms R343Q, R358Q, R336Q.
Identifiers: ClinVar variation 1423927 (VCV001423927.8), dbSNP rs775701039, ClinGen allele CA4672586.